The following is an entry in ClinVar:

ClinVar aggregate classification (germline): Uncertain significance. Review status: criteria provided, multiple submitters, no conflicts (2 of 4 stars). 7 submissions from 7 submitters: Uncertain significance (6). 1 of the submissions does not count toward it. Last evaluated 2024-06-20.

Conditions:
Autosomal recessive limb-girdle muscular dystrophy type 2C (LGMDR5). Also called: MUSCULAR DYSTROPHY, LIMB-GIRDLE, AUTOSOMAL RECESSIVE 5; MUSCULAR DYSTROPHY, DUCHENNE-LIKE. Identifiers: Orphanet 353, MedGen C0410173, MONDO:0009677, OMIM 253700. Disease mechanism: Affects gamma-sarcoglycan and also disrupts the integrity of the entire sarcoglycan complex..

Allele frequency attached by ClinVar (database versions not stated): ESP Exome Variant Server 0.00008; ExAC 0.00022; gnomAD 0.00027 and 0.00028; gnomAD exomes 0.00031; TOPMed 0.00032; 1000 Genomes Project 30x 0.00078; 1000 Genomes Project 0.00080.

Submissions (7):

Revvity Omics, Revvity
Classification: Uncertain significance for Autosomal recessive limb-girdle muscular dystrophy type 2C. Last evaluated: 2024-06-20. Review status: criteria provided, single submitter. Criteria: ACMG Guidelines, 2015. Collection method: clinical testing. Allele origin: germline.

Labcorp Genetics (formerly Invitae), Labcorp
Classification: Uncertain significance for Autosomal recessive limb-girdle muscular dystrophy type 2C. Last evaluated: 2022-08-23. Review status: criteria provided, single submitter. Criteria: Invitae Variant Classification Sherloc (09022015). Collection method: clinical testing. Allele origin: germline.
Comment: This sequence change replaces arginine, which is basic and polar, with cysteine, which is neutral and slightly polar, at codon 79 of the SGCG protein (p.Arg79Cys). This variant is present in population databases (rs148404730, gnomAD 0.2%). This variant has not been reported in the literature in individuals affected with SGCG-related conditions. ClinVar contains an entry for this variant (Variation ID: 285054). Algorithms developed to predict the effect of missense changes on protein structure and function are either unavailable or do not agree on the potential impact of this missense change (SIFT: "Deleterious"; PolyPhen-2: "Probably Damaging"; Align-GVGD: "Class C15"). In summary, the available evidence is currently insufficient to determine the role of this variant in disease. Therefore, it has been classified as a Variant of Uncertain Significance.

Myriad Genetics, Inc.
Classification: Uncertain significance for Autosomal recessive limb-girdle muscular dystrophy type 2C. Last evaluated: 2021-11-04. Review status: criteria provided, single submitter. Criteria: Myriad Women's Health Autosomal Recessive and X-Linked Classification Criteria (2021). Collection method: clinical testing. Allele origin: unknown.
Comment: NM_000231.2(SGCG):c.235C>T(R79C) is a missense variant classified as a variant of uncertain significance in the context of gamma-sarcoglycanopathy. R79C has been observed in cases with relevant disease (PMID: 30564623). Functional assessments of this variant are not available in the literature. R79C has been observed in population frequency databases (gnomAD: EAS 0.19%). In summary, there is insufficient evidence to classify NM_000231.2(SGCG):c.235C>T(R79C) as pathogenic or benign. Please note: this variant was assessed in the context of healthy population screening.

GeneDx
Classification: Uncertain significance. Last evaluated: 2019-08-28. Review status: criteria provided, single submitter. Criteria: GeneDx Variant Classification Process June 2021. Collection method: clinical testing. Allele origin: germline. Affected: yes.
Comment: This variant is associated with the following publications: (PMID: 29089047)

CeGaT Center for Human Genetics Tuebingen
Classification: Uncertain significance. Last evaluated: 2017-04-01. Review status: criteria provided, single submitter. Criteria: CeGaT Center For Human Genetics Tuebingen Variant Classification Criteria Version 2. Collection method: clinical testing. Allele origin: germline. Affected: yes. Observed: 1 variant allele.

Eurofins Ntd Llc (ga)
Classification: Uncertain significance. Last evaluated: 2016-12-27. Review status: criteria provided, single submitter. Criteria: EGL Classification Definitions 2015. Collection method: clinical testing. Allele origin: germline. Observed: 4 variant alleles, 4 heterozygotes.

Natera, Inc.
Classification: Uncertain significance for Limb-girdle muscular dystrophy type 2C. Last evaluated: 2020-09-16. Review status: no assertion criteria provided. Collection method: clinical testing. Allele origin: germline. Not counted in ClinVar's aggregate classification.

Literature cited by the submitters: PubMed 30564623 (cited by Myriad Genetics, Inc.).

NM_000231.3(SGCG):c.235C>T (p.Arg79Cys)

Gene: SGCG (sarcoglycan gamma; plus strand). Cytogenetic location: 13q12.12.
Variant type: single nucleotide variant.
Coding change: c.235C>T on transcript NM_000231.3 (MANE Select); coding-DNA position 235, C replaced by T.
Protein change: p.Arg79Cys; replaces arginine 79 with cysteine.
Molecular consequence: missense variant.
Genome position (GRCh38, 1-based): chr13:23,234,650, C>T. VCF-style: chr13-23234650-C-T. GRCh37 (hg19) VCF-style: chr13-23808789-C-T.
Other names: c.289C>T, p.Arg97Cys (NM_001378244.1); c.235C>T, p.Arg79Cys (NM_001378245.1, NM_001378246.1); short protein forms R79C, R97C.
Identifiers: ClinVar variation 285054 (VCV000285054.58), dbSNP rs148404730, ClinGen allele CA6909615.
Genomic context (GRCh38, chr13:23,234,650, plus strand): 5'-TCTCTTTTTTTTTTTTAACAGGCAGGAATGGGCCACTTGTGTGTAACAAAAGATGGACTG[C>T]GCTTGGAAGGGGAATCAGAATTTTTATTCCCATTGTATGCCAAAGAAATACACTCCAGAG-3'
Protein context (NP_000222.2, residues 69-89): GHLCVTKDGL[Arg79Cys]LEGESEFLFP